The following is an entry in ClinVar:

NM_001039141.3(TRIOBP):c.3241C>A (p.Gln1081Lys)

Gene: TRIOBP (TRIO and F-actin binding protein; plus strand). Cytogenetic location: 22q13.1.
Variant type: single nucleotide variant.
Coding change: c.3241C>A on transcript NM_001039141.3 (MANE Select); coding-DNA position 3241, C replaced by A.
Protein change: p.Gln1081Lys; replaces glutamine 1081 with lysine.
Molecular consequence: missense variant.
Genome position (GRCh38, 1-based): chr22:37,725,797, C>A. VCF-style: chr22-37725797-C-A. GRCh37 (hg19) VCF-style: chr22-38121804-C-A.
Other names: short protein forms Q1081K.
Identifiers: ClinVar variation 1939757 (VCV001939757.5), dbSNP rs1924114313, ClinGen allele CA411478139.

ClinVar aggregate classification (germline): Uncertain significance (1 of 4 stars; one submission).

Allele frequency attached by ClinVar (database versions not stated): TOPMed 0.00001.

Submission:

Labcorp Genetics (formerly Invitae), Labcorp
Classification: Uncertain significance. Last evaluated: 2022-08-09. Review status: criteria provided, single submitter. Criteria: Invitae Variant Classification Sherloc (09022015). Collection method: clinical testing. Allele origin: germline.
Comment: This sequence change replaces glutamine, which is neutral and polar, with lysine, which is basic and polar, at codon 1081 of the TRIOBP protein (p.Gln1081Lys). This variant is not present in population databases (gnomAD no frequency). This variant has not been reported in the literature in individuals affected with TRIOBP-related conditions. Algorithms developed to predict the effect of missense changes on protein structure and function are either unavailable or do not agree on the potential impact of this missense change (SIFT: "Deleterious"; PolyPhen-2: "Probably Damaging"; Align-GVGD: "Class C0"). In summary, the available evidence is currently insufficient to determine the role of this variant in disease. Therefore, it has been classified as a Variant of Uncertain Significance.